The following is an entry in ClinVar:

ClinVar aggregate classification (germline): Pathogenic. Review status: no assertion criteria provided (0 of 4 stars). 2 submissions from 2 submitters: Pathogenic (2). Last evaluated 2022-12-23.

Conditions:
Spinocerebellar ataxia 27A. Also called: VESTIBULOCEREBELLAR DISORDER WITH PREDOMINANT OCULAR SIGNS. Identifiers: MedGen CN031884, MONDO:0008654, OMIM 193003.
Spinocerebellar ataxia type 27 (SCA27). Identifiers: Orphanet 98764, MedGen C1836383, MONDO:0012247.

Submissions (2):

OMIM
Classification: Pathogenic for SPINOCEREBELLAR ATAXIA 27A. Last evaluated: 2022-12-23. Review status: no assertion criteria provided. Collection method: literature only. Allele origin: germline.

Medical Institute of Bioregulation, Kyushu university
Classification: Pathogenic for Spinocerebellar ataxia 27. Last evaluated: 2017-10-01. Review status: no assertion criteria provided. Collection method: research. Allele origin: germline. Affected: yes. Observed: 1 variant allele.
Comment: We confirmed NM_004115.3:c.529A>T (K177*) is absent in the 500 Japanese healthy individuals validated by Sangar sequencing.

Literature cited by the submitters: PubMed 30017992 (cited by OMIM).

NM_004115.4(FGF14):c.529A>T (p.Lys177Ter)

Gene: FGF14 (fibroblast growth factor 14; minus strand). Cytogenetic location: 13q33.1.
Variant type: single nucleotide variant.
Coding change: c.529A>T on transcript NM_004115.4 (MANE Select); coding-DNA position 529, A replaced by T.
Protein change: p.Lys177Ter; replaces lysine 177 with a stop codon.
Molecular consequence: nonsense.
Genome position (GRCh38, 1-based): chr13:101,726,690, T>A on the plus strand (A>T on the coding strand, the complement: FGF14 is on the minus strand). VCF-style: chr13-101726690-T-A. GRCh37 (hg19) VCF-style: chr13-102379040-T-A.
Other names: c.277A>T, p.Lys93Ter (NM_001321931.1, NM_001321934.1, NM_001321935.1 and 4 more transcripts); c.340A>T, p.Lys114Ter (NM_001321932.1, NM_001321936.1, NM_001321944.1); c.349A>T, p.Lys117Ter (NM_001321933.1, NM_001321938.2, NM_001321940.1); c.433A>T, p.Lys145Ter (NM_001321939.2); c.343A>T, p.Lys115Ter (NM_001321941.2); c.427A>T, p.Lys143Ter (NM_001321945.2, NM_001321948.2, NM_001379342.1); c.388A>T, p.Lys130Ter (NM_001321947.2); c.544A>T, p.Lys182Ter (NM_175929.3); short protein forms K177*, K182*, K93*, K130*, K143*, K117*, K145*, K114*.
Identifiers: ClinVar variation 489406 (VCV000489406.6), dbSNP rs1555370787, ClinGen allele CA388711151.